The following is an entry in ClinVar:

NM_000548.5(TSC2):c.4562C>T (p.Pro1521Leu)

Gene: TSC2 (TSC complex subunit 2; plus strand). Cytogenetic location: 16p13.3.
Variant type: single nucleotide variant.
Coding change: c.4562C>T on transcript NM_000548.5 (MANE Select); coding-DNA position 4562, C replaced by T.
Protein change: p.Pro1521Leu; replaces proline 1521 with leucine.
Molecular consequence: missense variant.
Genome position (GRCh38, 1-based): chr16:2,085,019, C>T. VCF-style: chr16-2085019-C-T. GRCh37 (hg19) VCF-style: chr16-2135020-C-T.
Other names: c.4361C>T, p.Pro1454Leu (NM_001077183.3); c.4493C>T, p.Pro1498Leu (NM_001114382.3); c.4253C>T, p.Pro1418Leu (NM_001318827.2); c.4217C>T, p.Pro1406Leu (NM_001318829.2); c.3830C>T, p.Pro1277Leu (NM_001318831.2); c.4394C>T, p.Pro1465Leu (NM_001318832.2); c.4364C>T, p.Pro1455Leu (NM_001363528.2); c.4430C>T, p.Pro1477Leu (NM_001370404.1); and 2 more; short protein forms P1406L, P1478L, P1277L, P1498L, P1521L, P1454L, P1455L, P1477L.
Identifiers: ClinVar variation 1515144 (VCV001515144.9), dbSNP rs1060500966, ClinGen allele CA394303060.

ClinVar aggregate classification (germline): Uncertain significance. Review status: criteria provided, multiple submitters, no conflicts (2 of 4 stars). 3 submissions from 3 submitters: Uncertain significance (3). Last evaluated 2024-10-27.

Conditions:
Hereditary cancer-predisposing syndrome. Also called: Neoplastic Syndromes, Hereditary; Hereditary Cancer Syndrome; Tumor predisposition; Hereditary neoplastic syndrome. Identifiers: Orphanet 140162, MedGen C0027672, MeSH D009386, MONDO:0015356.
TSC2-related disorder. Also called: TSC2-Related Disorders; TSC2-related condition.
Tuberous sclerosis 2 (TSC2). Identifiers: Orphanet 805, MedGen C1860707, MONDO:0013199, OMIM 613254.

Submissions (3):

Ambry Genetics
Classification: Uncertain significance for Hereditary cancer-predisposing syndrome. Last evaluated: 2024-10-27. Review status: criteria provided, single submitter. Criteria: Ambry Variant Classification Scheme 2023. Collection method: clinical testing. Allele origin: germline.
Comment: The p.P1521L variant (also known as c.4562C>T), located in coding exon 34 of the TSC2 gene, results from a C to T substitution at nucleotide position 4562. The proline at codon 1521 is replaced by leucine, an amino acid with similar properties. This amino acid position is conserved. In addition, this alteration is predicted to be deleterious by in silico analysis. Based on the available evidence, the clinical significance of this variant remains unclear.

Labcorp Genetics (formerly Invitae), Labcorp
Classification: Uncertain significance for Tuberous sclerosis 2. Last evaluated: 2023-05-23. Review status: criteria provided, single submitter. Criteria: Invitae Variant Classification Sherloc (09022015). Collection method: clinical testing. Allele origin: germline.
Comment: This sequence change replaces proline, which is neutral and non-polar, with leucine, which is neutral and non-polar, at codon 1521 of the TSC2 protein (p.Pro1521Leu). This variant is not present in population databases (gnomAD no frequency). This variant has not been reported in the literature in individuals affected with TSC2-related conditions. ClinVar contains an entry for this variant (Variation ID: 1515144). Advanced modeling of protein sequence and biophysical properties (such as structural, functional, and spatial information, amino acid conservation, physicochemical variation, residue mobility, and thermodynamic stability) performed at Invitae indicates that this missense variant is not expected to disrupt TSC2 protein function. In summary, the available evidence is currently insufficient to determine the role of this variant in disease. Therefore, it has been classified as a Variant of Uncertain Significance.

PreventionGenetics, part of Exact Sciences
Classification: Uncertain significance for TSC2-related condition. Last evaluated: 2023-03-14. Review status: criteria provided, single submitter. Criteria: ACMG Guidelines, 2015. Collection method: clinical testing. Allele origin: germline.
Comment: The TSC2 c.4562C>T variant is predicted to result in the amino acid substitution p.Pro1521Leu. To our knowledge, this variant has not been reported in the literature or in a large population database, indicating this variant is rare. At this time, the clinical significance of this variant is uncertain due to the absence of conclusive functional and genetic evidence.